The following is an entry in ClinVar:

NM_006904.7(PRKDC):c.9598C>T (p.Leu3200Phe)

Gene: PRKDC (protein kinase, DNA-activated, catalytic subunit; minus strand). Cytogenetic location: 8q11.21.
Variant type: single nucleotide variant.
Coding change: c.9598C>T on transcript NM_006904.7 (MANE Select); coding-DNA position 9598, C replaced by T.
Protein change: p.Leu3200Phe; replaces leucine 3200 with phenylalanine.
Molecular consequence: missense variant.
Genome position (GRCh38, 1-based): chr8:47,807,286, G>A on the plus strand (C>T on the coding strand, the complement: PRKDC is on the minus strand). VCF-style: chr8-47807286-G-A. GRCh37 (hg19) VCF-style: chr8-48719847-G-A.
Other names: p.Pro3200Ser; c.9598C>T, p.Leu3200Phe (NM_001081640.2); short protein forms L3200F.
Identifiers: ClinVar variation 4683344 (VCV004683344.1).

ClinVar aggregate classification (germline): Likely benign (1 of 4 stars; one submission).

gnomAD v4.1: 7 of 1,606,716 alleles (0.00044%); highest among the groups gnomAD compares: Middle Eastern, 0.066%; no homozygotes.

Submission:

Mayo Clinic Laboratories, Mayo Clinic
Classification: Likely benign. Last evaluated: 2025-11-17. Review status: criteria provided, single submitter. Criteria: ACMG Guidelines, 2015. Collection method: clinical testing. Allele origin: germline. Observed: 2 variant alleles.
Comment: BS2, BP4